The following is an entry in ClinVar:

ClinVar aggregate classification (germline): Likely benign (1 of 4 stars; one submission).

Conditions:
Tuberous sclerosis 2 (TSC2). Identifiers: Orphanet 805, MedGen C1860707, MONDO:0013199, OMIM 613254.

Submission:

Myriad Genetics, Inc.
Classification: Likely benign for Tuberous sclerosis 2. Last evaluated: 2025-06-05. Review status: criteria provided, single submitter. Criteria: Myriad Autosomal Dominant, Autosomal Recessive and X-Linked Classification Criteria (2023). Collection method: clinical testing. Allele origin: unknown.
Comment: This variant is considered likely benign. This variant is intronic and is not expected to impact mRNA splicing.

NM_000548.5(TSC2):c.5069-20T>C

Gene: TSC2 (TSC complex subunit 2; plus strand). Cytogenetic location: 16p13.3.
Variant type: single nucleotide variant.
Coding change: c.5069-20T>C on transcript NM_000548.5 (MANE Select); 20 bases into the intron before coding-DNA position 5069, T replaced by C.
Molecular consequence: intron variant.
Genome position (GRCh38, 1-based): chr16:2,088,028, T>C. VCF-style: chr16-2088028-T-C. GRCh37 (hg19) VCF-style: chr16-2138029-T-C.
Other names: c.3527-20T>C (NM_001406693.1, NM_001406692.1, NM_001406694.1); c.4961-20T>C (NM_001406667.1); c.4958-20T>C (NM_001406668.1); c.4469-20T>C (NM_001406680.1); c.4400-20T>C (NM_001406683.1, NM_001406682.1); c.4268-20T>C (NM_001406687.1, NM_001406688.1); c.3656-20T>C (NM_001406689.1); c.3596-20T>C (NM_001406690.1); and 26 more.
Identifiers: ClinVar variation 4071168 (VCV004071168.1).